The following is an entry in ClinVar:

ClinVar aggregate classification (germline): Uncertain significance. Review status: criteria provided, multiple submitters, no conflicts (2 of 4 stars). 5 submissions from 5 submitters: Uncertain significance (5). Last evaluated 2024-02-17.

Conditions:
Autosomal recessive nonsyndromic hearing loss 30. Identifiers: Orphanet 90636, MedGen C1846784, MONDO:0011774, OMIM 607101.

Allele frequency attached by ClinVar (database versions not stated): ESP Exome Variant Server 0.00008; TOPMed 0.00012; gnomAD 0.00015; 1000 Genomes Project 30x 0.00016; gnomAD exomes 0.00016 and 0.00020; 1000 Genomes Project 0.00020; ExAC 0.00020.
gnomAD v4.1: 305 of 1,608,754 alleles (0.019%); highest among the groups gnomAD compares: Non-Finnish European, 0.024%; no homozygotes.

Submissions (5):

Labcorp Genetics (formerly Invitae), Labcorp
Classification: Uncertain significance. Last evaluated: 2024-02-17. Review status: criteria provided, single submitter. Criteria: Invitae Variant Classification Sherloc (09022015). Collection method: clinical testing. Allele origin: germline.
Comment: This sequence change falls in intron 29 of the MYO3A gene. It does not directly change the encoded amino acid sequence of the MYO3A protein. It affects a nucleotide within the consensus splice site. This variant is present in population databases (rs373758358, gnomAD 0.03%). This variant has not been reported in the literature in individuals affected with MYO3A-related conditions. ClinVar contains an entry for this variant (Variation ID: 299670). Variants that disrupt the consensus splice site are a relatively common cause of aberrant splicing (PMID: 17576681, 9536098). Algorithms developed to predict the effect of sequence changes on RNA splicing suggest that this variant may disrupt the consensus splice site. In summary, the available evidence is currently insufficient to determine the role of this variant in disease. Therefore, it has been classified as a Variant of Uncertain Significance.

GeneDx
Classification: Uncertain significance. Last evaluated: 2022-10-13. Review status: criteria provided, single submitter. Criteria: GeneDx Variant Classification Process June 2021. Collection method: clinical testing. Allele origin: germline. Affected: yes.
Comment: Has not been previously published as pathogenic or benign to our knowledge; In silico analysis supports a deleterious effect on splicing

Revvity Omics, Revvity
Classification: Uncertain significance for Autosomal recessive nonsyndromic hearing loss 30. Last evaluated: 2019-09-12. Review status: criteria provided, single submitter. Criteria: ACMG Guidelines, 2015. Collection method: clinical testing. Allele origin: germline.

ARUP Laboratories, Molecular Genetics and Genomics, ARUP Laboratories
Classification: Uncertain significance for Autosomal recessive nonsyndromic hearing loss 30. Last evaluated: 2019-05-23. Review status: criteria provided, single submitter. Criteria: ARUP Molecular Germline Variant Investigation Process. Collection method: clinical testing. Allele origin: germline.
Comment: The MYO3A c.3398+3A>G variant (rs373758358), to our knowledge, is not reported in the medical literature but is reported in ClinVar (Variation ID: 299670). This variant is found in the non-Finnish European population with an allele frequency of 0.030% (38/125952 alleles) in the Genome Aggregation Database. This is an intronic variant in a highly conserved nucleotide, and computational analyses (Alamut v.2.11) predict that this variant may impact splicing by significantly weakening the nearby canonical donor splice site. However, without RNA studies the effect on splicing is unknown. Thus, given the lack of clinical and functional data, the significance of the c.3398+3A>G variant is uncertain at this time.

Illumina Laboratory Services, Illumina
Classification: Uncertain significance for Autosomal recessive nonsyndromic hearing loss 30. Last evaluated: 2018-01-13. Review status: criteria provided, single submitter. Criteria: ICSL Variant Classification Criteria 13 December 2019. Collection method: clinical testing. Allele origin: germline.

Literature cited by the submitters: PubMed 17576681 (cited by Labcorp Genetics (formerly Invitae), Labcorp); PubMed 9536098 (cited by Labcorp Genetics (formerly Invitae), Labcorp).

NM_017433.5(MYO3A):c.3398+3A>G

Gene: MYO3A (myosin IIIA; plus strand). Cytogenetic location: 10p12.1.
Variant type: single nucleotide variant.
Coding change: c.3398+3A>G on transcript NM_017433.5 (MANE Select); 3 bases into the intron after coding-DNA position 3398, A replaced by G.
Molecular consequence: intron variant.
Genome position (GRCh38, 1-based): chr10:26,170,542, A>G. VCF-style: chr10-26170542-A-G. GRCh37 (hg19) VCF-style: chr10-26459471-A-G.
Identifiers: ClinVar variation 299670 (VCV000299670.22), dbSNP rs373758358, ClinGen allele CA5445247.